The following is an entry in ClinVar:

ClinVar aggregate classification (germline): Uncertain significance (1 of 4 stars; one submission).

Conditions:
Hereditary cancer-predisposing syndrome. Also called: Neoplastic Syndromes, Hereditary; Tumor predisposition; Hereditary neoplastic syndrome; Hereditary Cancer Syndrome. Identifiers: Orphanet 140162, MedGen C0027672, MeSH D009386, MONDO:0015356.

Submission:

Ambry Genetics
Classification: Uncertain significance for Hereditary cancer-predisposing syndrome. Last evaluated: 2024-05-23. Review status: criteria provided, single submitter. Criteria: Ambry Variant Classification Scheme 2023. Collection method: clinical testing. Allele origin: germline.
Comment: The c.1450delC variant, located in coding exon 12 of the SUFU gene, results from a deletion of one nucleotide at nucleotide position 1450, causing a translational frameshift with a predicted alternate stop codon (p.H484Tfs*19). This alteration occurs at the 3' terminus of theSUFU gene, is not expected to trigger nonsense-mediated mRNAdecay and results in the elongation of the protein by 17 amino acids. This frameshift impacts the last oneamino acid of the native protein. The exact functional effect of the altered amino acids is unknown. Based on the available evidence, the clinical significance of this variant remains unclear.

NM_016169.4(SUFU):c.1450del (p.His484fs)

Gene: SUFU (SUFU negative regulator of hedgehog signaling; plus strand). Cytogenetic location: 10q24.32.
Variant type: Deletion.
Coding change: c.1450del on transcript NM_016169.4 (MANE Select); coding-DNA position 1450, one base deleted (C; older notation c.1450delC).
Protein change: p.His484fs; shifts the reading frame from histidine 484.
Molecular consequence: frameshift variant.
Genome position (GRCh38, 1-based): chr10:102,630,150, C deleted. VCF-style (leftmost placement, unchanged base first): chr10-102630149-AC-A. GRCh37 (hg19) VCF-style: chr10-104389906-AC-A.
Other names: short protein forms H484fs.
Identifiers: ClinVar variation 3323548 (VCV003323548.1).